The following is an entry in ClinVar:

ClinVar aggregate classification (germline): Uncertain significance. Review status: criteria provided, multiple submitters, no conflicts (2 of 4 stars). 2 submissions from 2 submitters: Uncertain significance (2). Last evaluated 2024-06-05.

Conditions:
Nephronophthisis. Also called: Juvenile Nephronophthisis. Identifiers: Orphanet 655, MedGen C0687120, MONDO:0019005, HP:0000090.
Renal-hepatic-pancreatic dysplasia 1 (RHPD1). Identifiers: MedGen C3715199, MONDO:0008833, OMIM 208540.
NPHP3-related Meckel-like syndrome. Also called: Meckel syndrome type 7; GOLDSTON SYNDROME. Identifiers: Orphanet 3032, MedGen C2673885, MONDO:0009966, OMIM 267010.
Nephronophthisis 3 (NPHP3). Also called: Adolescent nephronophthisis. Identifiers: Orphanet 655, MedGen C1858392, MONDO:0011456, OMIM 604387.

Allele frequency attached by ClinVar (database versions not stated): gnomAD exomes 0.00001; ExAC 0.00002; TOPMed 0.00002.
gnomAD v4.1: 8 of 1,614,142 alleles (0.0005%); highest among the groups gnomAD compares: Non-Finnish European, 0.00068%; no homozygotes.

Submissions (2):

Fulgent Genetics
Classification: Uncertain significance for Renal-hepatic-pancreatic dysplasia 1; NPHP3-related Meckel-like syndrome; Nephronophthisis 3. Last evaluated: 2024-06-05. Review status: criteria provided, single submitter. Criteria: ACMG Guidelines, 2015. Collection method: clinical testing. Allele origin: germline.

Labcorp Genetics (formerly Invitae), Labcorp
Classification: Uncertain significance for Nephronophthisis. Last evaluated: 2024-04-18. Review status: criteria provided, single submitter. Criteria: Invitae Variant Classification Sherloc (09022015). Collection method: clinical testing. Allele origin: germline.
Comment: This sequence change replaces isoleucine, which is neutral and non-polar, with methionine, which is neutral and non-polar, at codon 619 of the NPHP3 protein (p.Ile619Met). This variant is present in population databases (rs780013712, gnomAD 0.003%). This variant has not been reported in the literature in individuals affected with NPHP3-related conditions. ClinVar contains an entry for this variant (Variation ID: 850966). Advanced modeling of protein sequence and biophysical properties (such as structural, functional, and spatial information, amino acid conservation, physicochemical variation, residue mobility, and thermodynamic stability) performed at Invitae indicates that this missense variant is not expected to disrupt NPHP3 protein function with a negative predictive value of 80%. In summary, the available evidence is currently insufficient to determine the role of this variant in disease. Therefore, it has been classified as a Variant of Uncertain Significance.

NM_153240.5(NPHP3):c.1857C>G (p.Ile619Met)

Genes: NPHP3-ACAD11 (NPHP3-ACAD11 readthrough (NMD candidate); minus strand), NPHP3 (nephrocystin 3; minus strand). Cytogenetic location: 3q22.1.
Variant type: single nucleotide variant.
Coding change: c.1857C>G on transcript NM_153240.5 (MANE Select); coding-DNA position 1857, C replaced by G.
Protein change: p.Ile619Met; replaces isoleucine 619 with methionine.
Molecular consequence: missense variant. On other transcripts: non-coding transcript variant (1).
Genome position (GRCh38, 1-based): chr3:132,699,948, G>C on the plus strand (C>G on the coding strand, the complement: NPHP3 is on the minus strand). VCF-style: chr3-132699948-G-C. GRCh37 (hg19) VCF-style: chr3-132418792-G-C.
Other names: short protein forms I619M.
Identifiers: ClinVar variation 850966 (VCV000850966.11), dbSNP rs780013712, ClinGen allele CA2622190.